The following is an entry in ClinVar:

ClinVar aggregate classification (germline): Conflicting classifications of pathogenicity. Review status: criteria provided, conflicting classifications (1 of 4 stars). 2 submissions from 2 submitters: Uncertain significance (1); Likely benign (1). Last evaluated 2025-05-30.

Conditions:
Intellectual disability, autosomal recessive 53 (NEDHSCA). Also called: GLYCOSYLPHOSPHATIDYLINOSITOL BIOSYNTHESIS DEFECT 13; Mental retardation, autosomal recessive 53; NEURODEVELOPMENTAL DISORDER WITH OR WITHOUT HYPOTONIA, SEIZURES, AND CEREBELLAR ATROPHY. Identifiers: Orphanet 488635, MedGen C4310794, MONDO:0014832, OMIM 616917.
Inborn genetic diseases. Identifiers: MedGen C0950123, MeSH D030342.

Allele frequency attached by ClinVar (database versions not stated): gnomAD exomes below 0.00001; ExAC 0.00001; gnomAD 0.00001; TOPMed 0.00001; 1000 Genomes Project 0.00020; 1000 Genomes Project 30x 0.00031.
gnomAD v4.1: 1 of 1,613,944 alleles (0.000062%); highest among the groups gnomAD compares: African/African-American, 0.0013%; no homozygotes.

Submissions (2):

Labcorp Genetics (formerly Invitae), Labcorp
Classification: Uncertain significance for Intellectual disability, autosomal recessive 53. Last evaluated: 2025-05-30. Review status: criteria provided, single submitter. Criteria: Invitae Variant Classification Sherloc (09022015). Collection method: clinical testing. Allele origin: germline.
Comment: This sequence change replaces proline, which is neutral and non-polar, with serine, which is neutral and polar, at codon 62 of the PIGG protein (p.Pro62Ser). This variant is present in population databases (rs528446220, gnomAD 0.007%). This variant has not been reported in the literature in individuals affected with PIGG-related conditions. ClinVar contains an entry for this variant (Variation ID: 1004968). Invitae Evidence Modeling of protein sequence and biophysical properties (such as structural, functional, and spatial information, amino acid conservation, physicochemical variation, residue mobility, and thermodynamic stability) indicates that this missense variant is not expected to disrupt PIGG protein function with a negative predictive value of 80%. In summary, the available evidence is currently insufficient to determine the role of this variant in disease. Therefore, it has been classified as a Variant of Uncertain Significance.

Ambry Genetics
Classification: Likely benign for Inborn genetic diseases. Last evaluated: 2022-11-10. Review status: criteria provided, single submitter. Criteria: Ambry Variant Classification Scheme 2023. Collection method: clinical testing. Allele origin: germline.

NM_001127178.3(PIGG):c.184C>T (p.Pro62Ser)

Gene: PIGG (phosphatidylinositol glycan anchor biosynthesis class G (EMM blood group); plus strand). Cytogenetic location: 4p16.3.
Variant type: single nucleotide variant.
Coding change: c.184C>T on transcript NM_001127178.3 (MANE Select); coding-DNA position 184, C replaced by T.
Protein change: p.Pro62Ser; replaces proline 62 with serine.
Molecular consequence: missense variant. On other transcripts: 5 prime UTR variant (10), non-coding transcript variant (10).
Genome position (GRCh38, 1-based): chr4:500,425, C>T. VCF-style: chr4-500425-C-T. GRCh37 (hg19) VCF-style: chr4-494214-C-T.
Other names: c.184C>T (NM_001127178.1); c.-84C>T (NM_001289051.2, NM_001289053.2, NM_001289057.2 and 2 more transcripts); c.184C>T, p.Pro62Ser (NM_001289052.2, NM_001345989.2, NM_017733.5); c.-253C>T (NM_001289055.2); c.-704C>T (NM_001345988.2); c.-1442C>T (NM_001345990.2); c.-1304C>T (NM_001345991.2); c.-1029C>T (NM_001345994.2); short protein forms P62S.
Identifiers: ClinVar variation 1004968 (VCV001004968.10), dbSNP rs528446220, ClinGen allele CA2792933.